The following is an entry in ClinVar:

NM_002941.4(ROBO1):c.4861_4884del (p.Asn1621_Ala1628del)

Gene: ROBO1 (roundabout guidance receptor 1; minus strand). Cytogenetic location: 3p12.3.
Variant type: Deletion.
Coding change: c.4861_4884del on transcript NM_002941.4 (MANE Select); coding-DNA positions 4861 to 4884, 24 bases deleted (AATGTAGGTCGAAGAAATATTGCA).
Protein change: p.Asn1621_Ala1628del.
Genome position (GRCh38, 1-based): chr3:78,600,170-78,600,193, TGCAATATTTCTTCGACCTACATT deleted on the plus strand (AATGTAGGTCGAAGAAATATTGCA on the coding strand, the reverse complement: ROBO1 is on the minus strand); deleting any 24 consecutive bases within chr3:78,600,170-78,600,196 gives the same sequence; the c. name uses the placement nearest the transcript's 3' end. VCF-style (leftmost placement, unchanged base first): chr3-78600169-CTGCAATATTTCTTCGACCTACATT-C. GRCh37 (hg19) VCF-style: chr3-78649319-CTGCAATATTTCTTCGACCTACATT-C.
Other names: c.4561_4584del, p.Asn1521_Ala1528del (NM_001145845.2); c.4726_4749del, p.Asn1576_Ala1583del (NM_133631.4).
Identifiers: ClinVar variation 3372597 (VCV003372597.1).

ClinVar aggregate classification (germline): Uncertain significance (1 of 4 stars; one submission).

Submission:

GeneDx
Classification: Uncertain significance. Last evaluated: 2024-04-15. Review status: criteria provided, single submitter. Criteria: GeneDx Variant Classification Process June 2021. Collection method: clinical testing. Allele origin: germline. Affected: yes.
Comment: Not observed at significant frequency in large population cohorts (gnomAD); In-frame deletion of 8 amino acids in a non-repeat region; In silico analysis supports a deleterious effect on protein structure/function; Has not been previously published as pathogenic or benign to our knowledge